The following is an entry in ClinVar:

NM_000257.4(MYH7):c.1348A>G (p.Lys450Glu)

Gene: MYH7 (myosin heavy chain 7; minus strand). Cytogenetic location: 14q11.2.
Variant type: single nucleotide variant.
Coding change: c.1348A>G on transcript NM_000257.4 (MANE Select); coding-DNA position 1348, A replaced by G.
Protein change: p.Lys450Glu; replaces lysine 450 with glutamic acid.
Molecular consequence: missense variant.
Genome position (GRCh38, 1-based): chr14:23,429,014, T>C on the plus strand (A>G on the coding strand, the complement: MYH7 is on the minus strand). VCF-style: chr14-23429014-T-C. GRCh37 (hg19) VCF-style: chr14-23898223-T-C.
Other names: short protein forms K450E.
Identifiers: ClinVar variation 1429616 (VCV001429616.10), dbSNP rs1403027088, ClinGen allele CA389050815.
Genomic context (GRCh38, chr14:23,429,014, plus strand): 5'-CATCGAAGATCTCGAAGCCAGCGATGTCCAGGACTCCTATGAAGTACTGGCGTGGCTGCT[T>C]GGTCTCCAGGGTGGCATTGATGCGCGTCACCATCCAGTTGAACATCCTCTCATACACTGC-3'
Protein context (NP_000248.2, residues 440-460): VTRINATLET[Lys450Glu]QPRQYFIGVL

ClinVar aggregate classification (germline): Uncertain significance. Review status: criteria provided, multiple submitters, no conflicts (2 of 4 stars). 2 submissions from 2 submitters: Uncertain significance (2). Last evaluated 2021-07-22.

Conditions:
Cardiovascular phenotype. Identifiers: MedGen CN230736.
Hypertrophic cardiomyopathy. Also called: HYPERTROPHIC MYOCARDIOPATHY. Identifiers: Orphanet 217569, MedGen C0007194, MeSH D002312, MONDO:0005045, HP:0001639.

Submissions (2):

Ambry Genetics
Classification: Uncertain significance for Cardiovascular phenotype. Last evaluated: 2021-07-22. Review status: criteria provided, single submitter. Criteria: Ambry Variant Classification Scheme 2023. Collection method: clinical testing. Allele origin: germline.
Comment: The p.K450E variant (also known as c.1348A>G), located in coding exon 12 of the MYH7 gene, results from an A to G substitution at nucleotide position 1348. The lysine at codon 450 is replaced by glutamic acid, an amino acid with similar properties. This alteration is located in the myosin head domain, which contains a statistically significant clustering of pathogenic missense variants (Homburger JR et al. Proc Natl Acad Sci U S A, 2016 06;113:6701-6; Walsh R et al. Genet Med, 2017 02;19:192-203; Ambry internal data). This variant has been detected in a family with hypertrophic cardiomyopathy where some members also carried a mitochondrial gene variant (Arbustini E et al. Heart, 1998 Dec;80:548-58). This amino acid position is highly conserved in available vertebrate species. In addition, the in silico prediction for this alteration is inconclusive. Since supporting evidence is limited at this time, the clinical significance of this alteration remains unclear.

Labcorp Genetics (formerly Invitae), Labcorp
Classification: Uncertain significance for Hypertrophic cardiomyopathy. Last evaluated: 2020-10-28. Review status: criteria provided, single submitter. Criteria: Invitae Variant Classification Sherloc (09022015). Collection method: clinical testing. Allele origin: germline.
Comment: In summary, the available evidence is currently insufficient to determine the role of this variant in disease. Therefore, it has been classified as a Variant of Uncertain Significance. This variant is found within a region of MYH7 between codons 181 and 937 that contains the majority of the myosin head domain. Missense variants in this region have been shown to be significantly overrepresented in individuals with hypertrophic cardiomyopathy (PMID: 27532257). Algorithms developed to predict the effect of missense changes on protein structure and function are either unavailable or do not agree on the potential impact of this missense change (SIFT: "Deleterious"; PolyPhen-2: "Possibly Damaging"; Align-GVGD: "Class C0"). This variant has been observed in individual(s) with clinical features of hypertrophic cardiomyopathy (PMID: 10065021). This variant is not present in population databases (ExAC no frequency). This sequence change replaces lysine with glutamic acid at codon 450 of the MYH7 protein (p.Lys450Glu). The lysine residue is highly conserved and there is a small physicochemical difference between lysine and glutamic acid.

Literature cited by the submitters: PubMed 10065021 (cited by Ambry Genetics and Labcorp Genetics (formerly Invitae), Labcorp); PubMed 27532257 (cited by Labcorp Genetics (formerly Invitae), Labcorp).